The following is an entry in ClinVar:

ClinVar aggregate classification (germline): Uncertain significance (1 of 4 stars; one submission).

Conditions:
RYR1-related disorder. Also called: RYR1-related condition; RYR1-related disorders. Identifiers: MedGen CN239331.

Submission:

Labcorp Genetics (formerly Invitae), Labcorp
Classification: Uncertain significance for RYR1-related disorder. Last evaluated: 2021-11-24. Review status: criteria provided, single submitter. Criteria: Invitae Variant Classification Sherloc (09022015). Collection method: clinical testing. Allele origin: germline.
Comment: In summary, the available evidence is currently insufficient to determine the role of this variant in disease. Therefore, it has been classified as a Variant of Uncertain Significance. Advanced modeling of protein sequence and biophysical properties (such as structural, functional, and spatial information, amino acid conservation, physicochemical variation, residue mobility, and thermodynamic stability) performed at Invitae indicates that this missense variant is not expected to disrupt RYR1 protein function. This variant has not been reported in the literature in individuals affected with RYR1-related conditions. This variant is not present in population databases (gnomAD no frequency). This sequence change replaces alanine, which is neutral and non-polar, with glycine, which is neutral and non-polar, at codon 1310 of the RYR1 protein (p.Ala1310Gly).

NM_000540.3(RYR1):c.3929C>G (p.Ala1310Gly)

Gene: RYR1 (ryanodine receptor 1; plus strand). Cytogenetic location: 19q13.2.
Variant type: single nucleotide variant.
Coding change: c.3929C>G on transcript NM_000540.3 (MANE Select); coding-DNA position 3929, C replaced by G.
Protein change: p.Ala1310Gly; replaces alanine 1310 with glycine.
Molecular consequence: missense variant.
Genome position (GRCh38, 1-based): chr19:38,473,540, C>G. VCF-style: chr19-38473540-C-G. GRCh37 (hg19) VCF-style: chr19-38964180-C-G.
Other names: c.3929C>G, p.Ala1310Gly (NM_001042723.2); short protein forms A1310G.
Identifiers: ClinVar variation 1490727 (VCV001490727.6), dbSNP rs2145483571, ClinGen allele CA405642167.